The following is an entry in ClinVar:

NM_000038.6(APC):c.3555A>C (p.Thr1185=)

Gene: APC (APC regulator of Wnt signaling pathway; plus strand). Cytogenetic location: 5q22.2.
Variant type: single nucleotide variant.
Coding change: c.3555A>C on transcript NM_000038.6 (MANE Select); coding-DNA position 3555, A replaced by C.
Protein change: p.Thr1185=; no amino-acid change (threonine 1185 retained).
Molecular consequence: synonymous variant.
Genome position (GRCh38, 1-based): chr5:112,839,149, A>C. VCF-style: chr5-112839149-A-C. GRCh37 (hg19) VCF-style: chr5-112174846-A-C.
Other names: c.3555A>C, p.Thr1185= (NM_001127510.3, NM_001354895.2); c.3501A>C, p.Thr1167= (NM_001127511.3); c.3609A>C, p.Thr1203= (NM_001354896.2); c.3585A>C, p.Thr1195= (NM_001354897.2); c.3480A>C, p.Thr1160= (NM_001354898.2); c.3471A>C, p.Thr1157= (NM_001354899.2); c.3432A>C, p.Thr1144= (NM_001354900.2); c.3378A>C, p.Thr1126= (NM_001354901.2); and 5 more.
Identifiers: ClinVar variation 920765 (VCV000920765.3), dbSNP rs786201125, ClinGen allele CA445963583.

ClinVar aggregate classification (germline): Benign/Likely benign. Review status: criteria provided, multiple submitters, no conflicts (2 of 4 stars). 2 submissions from 2 submitters: Benign (1); Likely benign (1). Last evaluated 2024-03-21.

Conditions:
Hereditary cancer-predisposing syndrome. Also called: Neoplastic Syndromes, Hereditary; Tumor predisposition; Hereditary Cancer Syndrome; Hereditary neoplastic syndrome. Identifiers: Orphanet 140162, MedGen C0027672, MeSH D009386, MONDO:0015356.
Familial adenomatous polyposis 1 (FAP1). Also called: FAMILIAL ADENOMATOUS POLYPOSIS 1, ATTENUATED; POLYPOSIS, ADENOMATOUS INTESTINAL. Identifiers: MedGen C2713442, MONDO:0021056, OMIM 175100. Disease mechanism: loss of function.

Submissions (2):

Myriad Genetics, Inc.
Classification: Benign for Familial adenomatous polyposis 1. Last evaluated: 2024-03-21. Review status: criteria provided, single submitter. Criteria: Myriad Autosomal Dominant, Autosomal Recessive and X-Linked Classification Criteria (2023). Collection method: clinical testing. Allele origin: unknown.
Comment: This variant is considered benign. This variant is a silent/synonymous amino acid change and it is not expected to impact splicing.

Color Diagnostics, LLC DBA Color Health
Classification: Likely benign for Hereditary cancer-predisposing syndrome. Last evaluated: 2019-10-02. Review status: criteria provided, single submitter. Criteria: ACMG Guidelines, 2015. Collection method: clinical testing. Allele origin: germline.